The following is an entry in ClinVar:

NM_014846.4(WASHC5):c.2851-210A>G

Gene: WASHC5 (WASH complex subunit 5; minus strand). Cytogenetic location: 8q24.13.
Variant type: single nucleotide variant.
Coding change: c.2851-210A>G on transcript NM_014846.4 (MANE Select); 210 bases into the intron before coding-DNA position 2851, A replaced by G.
Molecular consequence: intron variant.
Genome position (GRCh38, 1-based): chr8:125,040,108, T>C on the plus strand (A>G on the coding strand, the complement: WASHC5 is on the minus strand). VCF-style: chr8-125040108-T-C. GRCh37 (hg19) VCF-style: chr8-126052350-T-C.
Other names: c.2407-210A>G (NM_001330609.2).
Identifiers: ClinVar variation 682815 (VCV000682815.1), dbSNP rs2303530, ClinGen allele CA15557435.

ClinVar aggregate classification (germline): Benign (1 of 4 stars; one submission).

Allele frequency attached by ClinVar (database versions not stated): gnomAD 0.17976 and 0.18390; TOPMed 0.18518; 1000 Genomes Project 0.22105; 1000 Genomes Project 30x 0.22611.
gnomAD v4.1: 27,114 of 152,058 alleles (18%); highest among the groups gnomAD compares: African/African-American, 45%; 4,705 homozygotes.

Submission:

GeneDx
Classification: Benign. Last evaluated: 2018-06-16. Review status: criteria provided, single submitter. Criteria: GeneDx Variant Classification (06012015). Collection method: clinical testing. Allele origin: germline. Affected: yes.
Comment: This variant is considered likely benign or benign based on one or more of the following criteria: it is a conservative change, it occurs at a poorly conserved position in the protein, it is predicted to be benign by multiple in silico algorithms, and/or has population frequency not consistent with disease.